The following is an entry in ClinVar:

ClinVar aggregate classification (germline): Uncertain significance (1 of 4 stars; one submission).

Conditions:
Idiopathic generalized epilepsy. Also called: Generalised epilepsy; EIG. Identifiers: MedGen C0270850, MONDO:0005579, OMIM 600669.
Hyperaldosteronism, familial, type IV (HALD4). Also called: FH IV; ALDOSTERONISM, PRIMARY, AND HYPERTENSION. Identifiers: Orphanet 642671, MedGen C4310756, MONDO:0014875, OMIM 617027.

Allele frequency attached by ClinVar (database versions not stated): TOPMed below 0.00001; gnomAD 0.00001.
gnomAD v4.1: 4 of 1,612,940 alleles (0.00025%); highest among the groups gnomAD compares: Admixed American, 0.005%; no homozygotes.

Submission:

Labcorp Genetics (formerly Invitae), Labcorp
Classification: Uncertain significance for Idiopathic generalized epilepsy; Hyperaldosteronism, familial, type IV. Last evaluated: 2024-10-17. Review status: criteria provided, single submitter. Criteria: Invitae Variant Classification Sherloc (09022015). Collection method: clinical testing. Allele origin: germline.
Comment: This sequence change replaces tyrosine, which is neutral and polar, with cysteine, which is neutral and slightly polar, at codon 1004 of the CACNA1H protein (p.Tyr1004Cys). This variant is not present in population databases (gnomAD no frequency). This variant has not been reported in the literature in individuals affected with CACNA1H-related conditions. ClinVar contains an entry for this variant (Variation ID: 2181367). Invitae Evidence Modeling of protein sequence and biophysical properties (such as structural, functional, and spatial information, amino acid conservation, physicochemical variation, residue mobility, and thermodynamic stability) indicates that this missense variant is expected to disrupt CACNA1H protein function with a positive predictive value of 80%. In summary, the available evidence is currently insufficient to determine the role of this variant in disease. Therefore, it has been classified as a Variant of Uncertain Significance.

NM_021098.3(CACNA1H):c.3011A>G (p.Tyr1004Cys)

Gene: CACNA1H (calcium voltage-gated channel subunit alpha1 H; plus strand). Cytogenetic location: 16p13.3.
Variant type: single nucleotide variant.
Coding change: c.3011A>G on transcript NM_021098.3 (MANE Select); coding-DNA position 3011, A replaced by G.
Protein change: p.Tyr1004Cys; replaces tyrosine 1004 with cysteine.
Molecular consequence: missense variant.
Genome position (GRCh38, 1-based): chr16:1,207,378, A>G. VCF-style: chr16-1207378-A-G. GRCh37 (hg19) VCF-style: chr16-1257378-A-G.
Other names: c.3011A>G, p.Tyr1004Cys (NM_001005407.2); short protein forms Y1004C.
Identifiers: ClinVar variation 2181367 (VCV002181367.4), dbSNP rs1436872465, ClinGen allele CA394170445.